The following is an entry in ClinVar:

NM_001005361.3(DNM2):c.896A>G (p.Lys299Arg)

Gene: DNM2 (dynamin 2; plus strand). Cytogenetic location: 19p13.2.
Variant type: single nucleotide variant.
Coding change: c.896A>G on transcript NM_001005361.3 (MANE Select); coding-DNA position 896, A replaced by G.
Protein change: p.Lys299Arg; replaces lysine 299 with arginine.
Molecular consequence: missense variant.
Genome position (GRCh38, 1-based): chr19:10,786,610, A>G. VCF-style: chr19-10786610-A-G. GRCh37 (hg19) VCF-style: chr19-10897286-A-G.
Other names: c.896A>G, p.Lys299Arg (NM_001005360.3, NM_001005362.3, NM_001190716.2 and 1 more transcripts); short protein forms K299R.
Identifiers: ClinVar variation 1959909 (VCV001959909.5), dbSNP rs1428094604, ClinGen allele CA404046228.

ClinVar aggregate classification (germline): Uncertain significance (1 of 4 stars; one submission).

Conditions:
Charcot-Marie-Tooth disease dominant intermediate B (CMTDIB). Also called: CHARCOT-MARIE-TOOTH NEUROPATHY, DOMINANT INTERMEDIATE B; Charcot-Marie-Tooth disease dominant intermediate 1; CMT DI1; Charcot-Marie-Tooth disease dominant intermediate I. Identifiers: Orphanet 100044, Orphanet 228179, MedGen C1847902, MONDO:0011674, OMIM 606482.

Allele frequency attached by ClinVar (database versions not stated): gnomAD exomes below 0.00001.
gnomAD v4.1: 2 of 1,614,120 alleles (0.00012%); highest among the groups gnomAD compares: Non-Finnish European, 0.00017%; no homozygotes.

Submission:

Labcorp Genetics (formerly Invitae), Labcorp
Classification: Uncertain significance for Charcot-Marie-Tooth disease dominant intermediate B. Last evaluated: 2022-01-11. Review status: criteria provided, single submitter. Criteria: Invitae Variant Classification Sherloc (09022015). Collection method: clinical testing. Allele origin: germline.
Comment: In summary, the available evidence is currently insufficient to determine the role of this variant in disease. Therefore, it has been classified as a Variant of Uncertain Significance. Algorithms developed to predict the effect of sequence changes on RNA splicing suggest that this variant may create or strengthen a splice site. Algorithms developed to predict the effect of missense changes on protein structure and function are either unavailable or do not agree on the potential impact of this missense change (SIFT: "Tolerated"; PolyPhen-2: "Possibly Damaging"; Align-GVGD: "Class C0"). This variant has not been reported in the literature in individuals affected with DNM2-related conditions. This variant is present in population databases (no rsID available, gnomAD 0.0009%). This sequence change replaces lysine, which is basic and polar, with arginine, which is basic and polar, at codon 299 of the DNM2 protein (p.Lys299Arg).